The following is an entry in ClinVar:

ClinVar aggregate classification (germline): Conflicting classifications of pathogenicity. Review status: criteria provided, conflicting classifications (1 of 4 stars). 2 submissions from 2 submitters: Uncertain significance (1); Likely benign (1). Last evaluated 2024-02-15.

Conditions:
Hereditary cancer-predisposing syndrome. Also called: Hereditary Cancer Syndrome; Neoplastic Syndromes, Hereditary; Hereditary neoplastic syndrome; Tumor predisposition. Identifiers: Orphanet 140162, MedGen C0027672, MeSH D009386, MONDO:0015356.

Allele frequency attached by ClinVar (database versions not stated): gnomAD exomes below 0.00001; ExAC 0.00001.
gnomAD v4.1: 2 of 1,606,266 alleles (0.00012%); highest among the groups gnomAD compares: Non-Finnish European, 0.00017%; no homozygotes.

Submissions (2):

Ambry Genetics
Classification: Uncertain significance for Hereditary cancer-predisposing syndrome. Last evaluated: 2024-02-15. Review status: criteria provided, single submitter. Criteria: Ambry Variant Classification Scheme 2023. Collection method: clinical testing. Allele origin: germline.
Comment: The c.1654-5C>T intronic variant results from a C to T substitution 5 nucleotides upstream from coding exon 12 in the MSH3 gene. This nucleotide position is poorly conserved in available vertebrate species. In silico splice site analysis predicts that this alteration will not have any significant effect on splicing; however, direct evidence is insufficient at this time (Ambry internal data). Based on the available evidence, the clinical significance of this alteration remains unclear.

Labcorp Genetics (formerly Invitae), Labcorp
Classification: Likely benign. Last evaluated: 2023-11-24. Review status: criteria provided, single submitter. Criteria: Invitae Variant Classification Sherloc (09022015). Collection method: clinical testing. Allele origin: germline.

NM_002439.5(MSH3):c.1654-5C>T

Gene: MSH3 (mutS homolog 3; plus strand). Cytogenetic location: 5q14.1.
Variant type: single nucleotide variant.
Coding change: c.1654-5C>T on transcript NM_002439.5 (MANE Select); 5 bases into the intron before coding-DNA position 1654, C replaced by T.
Molecular consequence: intron variant.
Genome position (GRCh38, 1-based): chr5:80,744,501, C>T. VCF-style: chr5-80744501-C-T. GRCh37 (hg19) VCF-style: chr5-80040320-C-T.
Identifiers: ClinVar variation 1141078 (VCV001141078.11), dbSNP rs755649252, ClinGen allele CA3328003.